The following is an entry in ClinVar:

ClinVar aggregate classification (germline): Benign/Likely benign. Review status: criteria provided, multiple submitters, no conflicts (2 of 4 stars). 3 submissions from 3 submitters: Benign (1); Likely benign (2). Last evaluated 2024-06-24.

Conditions:
Hereditary cancer-predisposing syndrome. Also called: Neoplastic Syndromes, Hereditary; Tumor predisposition; Hereditary Cancer Syndrome; Hereditary neoplastic syndrome. Identifiers: Orphanet 140162, MedGen C0027672, MeSH D009386, MONDO:0015356.
Ataxia-telangiectasia syndrome (AT). Also called: Ataxia telangiectasia (A-T); ATAXIA-TELANGIECTASIA, COMPLEMENTATION GROUP A; ATAXIA-TELANGIECTASIA, FRESNO VARIANT; Ataxia-telangiectasia; Ataxia-telangiectasia, complementation group E; LOUIS-BAR SYNDROME. Identifiers: Orphanet 100, MedGen C0004135, MONDO:0008840, OMIM 208900.
Familial cancer of breast. Also called: Hereditary breast cancer; hereditary breast carcinoma; BREAST CANCER, FAMILIAL. Identifiers: Orphanet 227535, MedGen C0346153, MONDO:0016419, OMIM 114480. Disease mechanism: loss of function.

Submissions (3):

Myriad Genetics, Inc.
Classification: Benign for Familial cancer of breast. Last evaluated: 2024-06-24. Review status: criteria provided, single submitter. Criteria: Myriad Autosomal Dominant, Autosomal Recessive and X-Linked Classification Criteria (2023). Collection method: clinical testing. Allele origin: unknown.
Comment: This variant is considered benign. This variant is a silent/synonymous amino acid change and it is not expected to impact splicing.

Labcorp Genetics (formerly Invitae), Labcorp
Classification: Likely benign for Ataxia-telangiectasia syndrome. Last evaluated: 2023-11-22. Review status: criteria provided, single submitter. Criteria: Invitae Variant Classification Sherloc (09022015). Collection method: clinical testing. Allele origin: germline.

Ambry Genetics
Classification: Likely benign for Hereditary cancer-predisposing syndrome. Last evaluated: 2023-04-05. Review status: criteria provided, single submitter. Criteria: Ambry Variant Classification Scheme 2023. Collection method: clinical testing. Allele origin: germline.

NM_000051.4(ATM):c.8950C>T (p.Leu2984=)

Genes: ATM (ATM serine/threonine kinase; plus strand), C11orf65 (chromosome 11 open reading frame 65; minus strand). Cytogenetic location: 11q22.3.
Variant type: single nucleotide variant.
Coding change: c.8950C>T on transcript NM_000051.4 (MANE Select); coding-DNA position 8950, C replaced by T.
Protein change: p.Leu2984=; no amino-acid change (leucine 2984 retained).
Molecular consequence: synonymous variant. On other transcripts: intron variant (2).
Genome position (GRCh38, 1-based): chr11:108,365,181, C>T. VCF-style: chr11-108365181-C-T. GRCh37 (hg19) VCF-style: chr11-108235908-C-T.
Other names: c.8950C>T, p.Leu2984= (NM_001351834.2); c.640+20739G>A (NM_001330368.2); c.694+20739G>A (NM_001351110.2).
Identifiers: ClinVar variation 1129286 (VCV001129286.12), dbSNP rs747445236, ClinGen allele CA476745342.